The following is an entry in ClinVar:

NM_020631.6(PLEKHG5):c.395C>T (p.Thr132Ile)

Gene: PLEKHG5 (pleckstrin homology and RhoGEF domain containing G5; minus strand). Cytogenetic location: 1p36.31.
Variant type: single nucleotide variant.
Coding change: c.395C>T on transcript NM_020631.6 (MANE Select); coding-DNA position 395, C replaced by T.
Protein change: p.Thr132Ile; replaces threonine 132 with isoleucine.
Molecular consequence: missense variant.
Genome position (GRCh38, 1-based): chr1:6,474,495, G>A on the plus strand (C>T on the coding strand, the complement: PLEKHG5 is on the minus strand). VCF-style: chr1-6474495-G-A. GRCh37 (hg19) VCF-style: chr1-6534555-G-A.
Other names: p.Thr209Ile; c.506C>T, p.Thr169Ile (NM_001042663.3, NM_001265592.2); c.395C>T, p.Thr132Ile (NM_001042664.2, NM_001042665.2, NM_001265594.3 and 1 more transcripts); c.602C>T, p.Thr201Ile (NM_001265593.2); short protein forms T132I, T201I, T169I.
Identifiers: ClinVar variation 245731 (VCV000245731.14), dbSNP rs761640668, ClinGen allele CA561873.
Genomic context (GRCh38, chr1:6,474,495, plus strand): 5'-CCAGGCTGCTTCTCACCTTTGACACGAAGGTAGTGTCCCCCGAACCTGTAGGCCTCGAAG[G>A]TGAGGGACAGGGGTGTGTTGGACTGGTCCAGGTAGATGTCCACTTTGCCCAGCGCAATGC-3'
Protein context (NP_065682.2, residues 122-142): LDQSNTPLSL[Thr132Ile]FEAYRFGGHY

ClinVar aggregate classification (germline): Uncertain significance. Review status: criteria provided, multiple submitters, no conflicts (2 of 4 stars). 4 submissions from 4 submitters: Uncertain significance (4). Last evaluated 2021-09-01.

Conditions:
Inborn genetic diseases. Identifiers: MedGen C0950123, MeSH D030342.
Neuronopathy, distal hereditary motor, autosomal recessive 4. Also called: NEUROPATHY, DISTAL HEREDITARY MOTOR, AUTOSOMAL RECESSIVE 4; Autosomal recessive lower motor neuron disease with childhood onset. Identifiers: Orphanet 206580, MedGen C1970211, MONDO:0012608, OMIM 611067.
Charcot-Marie-Tooth disease recessive intermediate C. Also called: CHARCOT-MARIE-TOOTH NEUROPATHY, RECESSIVE INTERMEDIATE C. Identifiers: Orphanet 369867, MedGen C3809309, MONDO:0014154, OMIM 615376.

Allele frequency attached by ClinVar (database versions not stated): ExAC 0.00002; gnomAD exomes 0.00002 and 0.00004; TOPMed 0.00002; gnomAD 0.00003.

Submissions (4):

Labcorp Genetics (formerly Invitae), Labcorp
Classification: Uncertain significance for Neuronopathy, distal hereditary motor, autosomal recessive 4; Charcot-Marie-Tooth disease recessive intermediate C. Last evaluated: 2021-09-01. Review status: criteria provided, single submitter. Criteria: Invitae Variant Classification Sherloc (09022015). Collection method: clinical testing. Allele origin: germline.
Comment: This sequence change replaces threonine with isoleucine at codon 132 of the PLEKHG5 protein (p.Thr132Ile). The threonine residue is weakly conserved and there is a moderate physicochemical difference between threonine and isoleucine. This variant is present in population databases (rs761640668, ExAC 0.003%). This variant has not been reported in the literature in individuals affected with PLEKHG5-related conditions. ClinVar contains an entry for this variant (Variation ID: 245731). Algorithms developed to predict the effect of missense changes on protein structure and function (SIFT, PolyPhen-2, Align-GVGD) all suggest that this variant is likely to be tolerated. In summary, the available evidence is currently insufficient to determine the role of this variant in disease. Therefore, it has been classified as a Variant of Uncertain Significance.

Mayo Clinic Laboratories, Mayo Clinic
Classification: Uncertain significance. Last evaluated: 2021-04-14. Review status: criteria provided, single submitter. Criteria: ACMG Guidelines, 2015. Collection method: clinical testing. Allele origin: germline.

Ambry Genetics
Classification: Uncertain significance for Inborn genetic diseases. Last evaluated: 2020-10-05. Review status: criteria provided, single submitter. Criteria: Ambry Variant Classification Scheme 2023. Collection method: clinical testing. Allele origin: germline.
Comment: The p.T132I variant (also known as c.395C>T), located in coding exon 5 of the PLEKHG5 gene, results from a C to T substitution at nucleotide position 395. The threonine at codon 132 is replaced by isoleucine, an amino acid with similar properties. This amino acid position is not well conserved in available vertebrate species. In addition, this alteration is predicted to be tolerated by in silico analysis. Since supporting evidence is limited at this time, the clinical significance of this alteration remains unclear.

GeneDx
Classification: Uncertain significance. Last evaluated: 2015-04-23. Review status: criteria provided, single submitter. Criteria: GeneDx Variant Classification (06012015). Collection method: clinical testing. Allele origin: germline. Affected: yes.
Comment: The T132I variant has not been published as a pathogenic variant, nor has it been reported as a benign polymorphism to our knowledge. It was not observed in approximately 6,500 individuals of European and African American ancestry in the NHLBI Exome Sequencing Project, indicating it is not a common benign variant in these populations. The T132I variant is a non-conservative amino acid substitution, which is likely to impact secondary protein structure as these residues differ in polarity, charge, size and/or other properties. This substitution occurs at a position that is conserved in mammals. However, in silico analysis predicts this variant likely does not alter the protein structure/function. Therefore, based on the currently available information, it is unclear whether this variant is a pathogenic or a rare benign variant.